The following is an entry in ClinVar:

NM_006361.6(HOXB13):c.40G>T (p.Asp14Tyr)

Gene: HOXB13 (homeobox B13; minus strand). Cytogenetic location: 17q21.32.
Variant type: single nucleotide variant.
Coding change: c.40G>T on transcript NM_006361.6 (MANE Select); coding-DNA position 40, G replaced by T.
Protein change: p.Asp14Tyr; replaces aspartic acid 14 with tyrosine.
Molecular consequence: missense variant.
Genome position (GRCh38, 1-based): chr17:48,728,554, C>A on the plus strand (G>T on the coding strand, the complement: HOXB13 is on the minus strand). VCF-style: chr17-48728554-C-A. GRCh37 (hg19) VCF-style: chr17-46805916-C-A.
Other names: short protein forms D14Y.
Identifiers: ClinVar variation 690748 (VCV000690748.3), dbSNP rs1597935289, ClinGen allele CA400109811.
Genomic context (GRCh38, chr17:48,728,554, plus strand): 5'-TCAGAGGGGAGTGGGCGACCAGATTCCGCCCCCCTCCCGCTCCCAGCAAGCCTTCGATAT[C>A]CTTGGCTCCATCCAAGGTGGCATAATTGCCGGGCTCCATGGAGCCGAGGGTCGGCTCATG-3'
Protein context (NP_006352.2, residues 4-24): GNYATLDGAK[Asp14Tyr]IEGLLGAGGG

ClinVar aggregate classification (germline): Uncertain significance. Review status: criteria provided, single submitter (1 of 4 stars). 2 submissions from 2 submitters: Uncertain significance (1). 1 of the submissions does not count toward it. Last evaluated 2025-06-08.

Conditions:
Prostate cancer, hereditary, 1 (HPC1). Identifiers: Orphanet 1331, MedGen C4722327, MONDO:0011098, OMIM 601518.

Submissions (2):

Labcorp Genetics (formerly Invitae), Labcorp
Classification: Uncertain significance. Last evaluated: 2025-06-08. Review status: criteria provided, single submitter. Criteria: Invitae Variant Classification Sherloc (09022015). Collection method: clinical testing. Allele origin: germline.
Comment: This sequence change replaces aspartic acid, which is acidic and polar, with tyrosine, which is neutral and polar, at codon 14 of the HOXB13 protein (p.Asp14Tyr). This variant is not present in population databases (gnomAD no frequency). This variant has not been reported in the literature in individuals affected with HOXB13-related conditions. ClinVar contains an entry for this variant (Variation ID: 690748). An algorithm developed to predict the effect of missense changes on protein structure and function (PolyPhen-2) suggests that this variant is likely to be disruptive. In summary, the available evidence is currently insufficient to determine the role of this variant in disease. Therefore, it has been classified as a Variant of Uncertain Significance.

Laboratory of Virology, Microbiology,  Quality and Medical Biotechnologies, Faculty of Sciences and Techniques - Mohammedia, Hassan II University of Casablanca
Classification: Uncertain significance for Prostate cancer, hereditary, 1. Review status: no assertion criteria provided. Collection method: clinical testing. Allele origin: somatic. Affected: yes. Not counted in ClinVar's aggregate classification.